The following is an entry in ClinVar:

ClinVar aggregate classification (germline): Uncertain significance (1 of 4 stars; one submission).

Submission:

Labcorp Genetics (formerly Invitae), Labcorp
Classification: Uncertain significance. Last evaluated: 2025-06-19. Review status: criteria provided, single submitter. Criteria: Invitae Variant Classification Sherloc (09022015). Collection method: clinical testing. Allele origin: germline.
Comment: This sequence change replaces isoleucine, which is neutral and non-polar, with valine, which is neutral and non-polar, at codon 359 of the LIPN protein (p.Ile359Val). This variant is not present in population databases (gnomAD no frequency). This variant has not been reported in the literature in individuals affected with LIPN-related conditions. An algorithm developed to predict the effect of missense changes on protein structure and function outputs the following: PolyPhen-2: "Benign". The valine amino acid residue is found in multiple mammalian species, which suggests that this missense change does not adversely affect protein function. In summary, the available evidence is currently insufficient to determine the role of this variant in disease. Therefore, it has been classified as a Variant of Uncertain Significance.

NM_001102469.2(LIPN):c.1075A>G (p.Ile359Val)

Gene: LIPN (lipase family member N; plus strand). Cytogenetic location: 10q23.31.
Variant type: single nucleotide variant.
Coding change: c.1075A>G on transcript NM_001102469.2 (MANE Select); coding-DNA position 1075, A replaced by G.
Protein change: p.Ile359Val; replaces isoleucine 359 with valine.
Molecular consequence: missense variant.
Genome position (GRCh38, 1-based): chr10:88,778,120, A>G. VCF-style: chr10-88778120-A-G. GRCh37 (hg19) VCF-style: chr10-90537877-A-G.
Other names: short protein forms I359V.
Identifiers: ClinVar variation 4695576 (VCV004695576.1).